The following is an entry in ClinVar:

ClinVar aggregate classification (germline): Uncertain significance (1 of 4 stars; one submission).

Conditions:
Dyskeratosis congenita. Identifiers: Orphanet 1775, MedGen C0265965, MONDO:0015780.

Allele frequency attached by ClinVar (database versions not stated): gnomAD exomes below 0.00001.
gnomAD v4.1: 1 of 1,614,136 alleles (0.000062%); highest among the groups gnomAD compares: Non-Finnish European, 0.000085%; no homozygotes.

Submission:

Ambry Genetics
Classification: Uncertain significance for Dyskeratosis congenita. Last evaluated: 2022-04-12. Review status: criteria provided, single submitter. Criteria: Ambry Variant Classification Scheme 2023. Collection method: clinical testing. Allele origin: germline.
Comment: The p.F986L variant (also known as c.2958T>G), located in coding exon 12 of the TERT gene, results from a T to G substitution at nucleotide position 2958. The phenylalanine at codon 986 is replaced by leucine, an amino acid with highly similar properties. This amino acid position is conserved. In addition, this alteration is predicted to be tolerated by in silico analysis. Since supporting evidence is limited at this time, the clinical significance of this alteration remains unclear.

NM_198253.3(TERT):c.2958T>G (p.Phe986Leu)

Gene: TERT (telomerase reverse transcriptase; minus strand). Cytogenetic location: 5p15.33.
Variant type: single nucleotide variant.
Coding change: c.2958T>G on transcript NM_198253.3 (MANE Select); coding-DNA position 2958, T replaced by G.
Protein change: p.Phe986Leu; replaces phenylalanine 986 with leucine.
Molecular consequence: missense variant. On other transcripts: non-coding transcript variant (2).
Genome position (GRCh38, 1-based): chr5:1,260,486, A>C on the plus strand (T>G on the coding strand, the complement: TERT is on the minus strand). VCF-style: chr5-1260486-A-C. GRCh37 (hg19) VCF-style: chr5-1260601-A-C.
Other names: c.2958T>G, p.Phe986Leu (NM_003219.1); c.2769T>G, p.Phe923Leu (NM_001193376.3); short protein forms F986L, F923L.
Identifiers: ClinVar variation 1798134 (VCV001798134.2), dbSNP rs1561190841, ClinGen allele CA359069623.
Genomic context (GRCh38, chr5:1,260,486, plus strand): 5'-ACACACCTCCTGAACTCTGAACTCTGTGCTGACCATCAGCCTGCTCACCTGCAAATCCAG[A>C]AACAGGCTGTGACACTTCAGCCGCAAGACCCCAAAGAGTTTGCGACGCATGTTCCTCCCA-3'
Protein context (NP_937983.2, residues 976-996): GVLRLKCHSL[Phe986Leu]LDLQVNSLQT